The following is an entry in ClinVar:

NM_006445.4(PRPF8):c.6369+4A>T

Gene: PRPF8 (pre-mRNA processing factor 8; minus strand). Cytogenetic location: 17p13.3.
Variant type: single nucleotide variant.
Coding change: c.6369+4A>T on transcript NM_006445.4 (MANE Select); 4 bases into the intron after coding-DNA position 6369, A replaced by T.
Molecular consequence: intron variant.
Genome position (GRCh38, 1-based): chr17:1,653,538, T>A on the plus strand (A>T on the coding strand, the complement: PRPF8 is on the minus strand). VCF-style: chr17-1653538-T-A. GRCh37 (hg19) VCF-style: chr17-1556832-T-A.
Identifiers: ClinVar variation 1469781 (VCV001469781.6), dbSNP rs2151111149, ClinGen allele CA2573152966.

ClinVar aggregate classification (germline): Uncertain significance (1 of 4 stars; one submission).

Submission:

Labcorp Genetics (formerly Invitae), Labcorp
Classification: Uncertain significance. Last evaluated: 2021-06-06. Review status: criteria provided, single submitter. Criteria: Invitae Variant Classification Sherloc (09022015). Collection method: clinical testing. Allele origin: germline.
Comment: This sequence change falls in intron 39 of the PRPF8 gene. It does not directly change the encoded amino acid sequence of the PRPF8 protein. It affects a nucleotide within the consensus splice site of the intron. This variant is not present in population databases (ExAC no frequency). This variant has not been reported in the literature in individuals with PRPF8-related conditions. Nucleotide substitutions within the consensus splice site are a relatively common cause of aberrant splicing (PMID: 17576681, 9536098). Algorithms developed to predict the effect of sequence changes on RNA splicing suggest that this variant may disrupt the consensus splice site, but this prediction has not been confirmed by published transcriptional studies. In summary, the available evidence is currently insufficient to determine the role of this variant in disease. Therefore, it has been classified as a Variant of Uncertain Significance.

Literature cited by the submitters: PubMed 17576681; PubMed 9536098.